The following is an entry in ClinVar:

ClinVar aggregate classification (germline): Pathogenic (1 of 4 stars; one submission).

Conditions:
GM1 gangliosidosis. Identifiers: Orphanet 354, MedGen C0085131, MONDO:0018149.
Mucopolysaccharidosis, MPS-IV-B (MPS4B). Also called: MORQUIO SYNDROME B; Mucopolysaccharidosis Type IVB (Morquio B Disease); Mucopolysaccharidosis type IV B; Mucopolysaccharidosis Type IVB; Mucopolysaccharidosis type 4B; Mucopolysaccharidosis type IVB (Morquio). Identifiers: Orphanet 309310, Orphanet 582, MedGen C0086652, MONDO:0009660, OMIM 253010.

Submission:

Labcorp Genetics (formerly Invitae), Labcorp
Classification: Pathogenic for Mucopolysaccharidosis, MPS-IV-B; GM1 gangliosidosis. Last evaluated: 2022-09-02. Review status: criteria provided, single submitter. Criteria: Invitae Variant Classification Sherloc (09022015). Collection method: clinical testing. Allele origin: germline.
Comment: This sequence change creates a premature translational stop signal (p.Gly115Aspfs*6) in the GLB1 gene. It is expected to result in an absent or disrupted protein product. Loss-of-function variants in GLB1 are known to be pathogenic (PMID: 18524657). This variant is not present in population databases (gnomAD no frequency). For these reasons, this variant has been classified as Pathogenic. This variant has not been reported in the literature in individuals affected with GLB1-related conditions.

Literature cited by the submitters: PubMed 18524657.

NM_000404.4(GLB1):c.344del (p.Gly115fs)

Gene: GLB1 (galactosidase beta 1; minus strand). Cytogenetic location: 3p22.3.
Variant type: Deletion.
Coding change: c.344del on transcript NM_000404.4 (MANE Select); coding-DNA position 344, one base deleted (G; older notation c.344delG).
Protein change: p.Gly115fs; shifts the reading frame from glycine 115.
Molecular consequence: frameshift variant. On other transcripts: intron variant (1).
Genome position (GRCh38, 1-based): chr3:33,068,872, C deleted on the plus strand (G on the coding strand, the reverse complement: GLB1 is on the minus strand); the first of 3 consecutive C bases (chr3:33,068,872-33,068,874); deleting any one gives the same sequence. VCF-style (leftmost placement, unchanged base first): chr3-33068871-TC-T. GRCh37 (hg19) VCF-style: chr3-33110363-TC-T.
Other names: c.254del, p.Gly85fs (NM_001079811.3); c.488del, p.Gly163fs (NM_001317040.2); c.344del, p.Gly115fs (NM_001393580.1); c.246-3315del (NM_001135602.3); short protein forms G85fs, G163fs, G115fs.
Identifiers: ClinVar variation 2028587 (VCV002028587.4), dbSNP rs2471437813, ClinGen allele CA432952535.